The following is an entry in ClinVar:

NM_015076.5(CDK19):c.185C>G (p.Ser62Trp)

Gene: CDK19 (cyclin dependent kinase 19; minus strand). Cytogenetic location: 6q21.
Variant type: single nucleotide variant.
Coding change: c.185C>G on transcript NM_015076.5 (MANE Select); coding-DNA position 185, C replaced by G.
Protein change: p.Ser62Trp; replaces serine 62 with tryptophan.
Molecular consequence: missense variant.
Genome position (GRCh38, 1-based): chr6:110,746,145, G>C on the plus strand (C>G on the coding strand, the complement: CDK19 is on the minus strand). VCF-style: chr6-110746145-G-C. GRCh37 (hg19) VCF-style: chr6-111067348-G-C.
Other names: c.185C>G, p.Ser62Trp (NM_001300960.2); c.5C>G, p.Ser2Trp (NM_001300963.2, NM_001300964.2); short protein forms S2W, S62W.
Identifiers: ClinVar variation 5006957 (VCV005006957.2).

ClinVar aggregate classification (germline): Uncertain significance (1 of 4 stars; one submission).

Conditions:
Developmental and epileptic encephalopathy, 87. Also called: EPILEPTIC ENCEPHALOPATHY, EARLY INFANTILE, 87. Identifiers: MedGen C5394501, MONDO:0030059, OMIM 618916.

Submission:

Juno Genomics, Hangzhou Juno Genomics, Inc
Classification: Uncertain significance for Developmental and epileptic encephalopathy, 87. Review status: criteria provided, single submitter. Criteria: ACMG Guidelines, 2015. Collection method: clinical testing. Allele origin: germline.
Comment: Absent from controls (or at extremely low frequency if recessive) in Genome Aggregation Database.;Multiple lines of computational evidence support a deleterious effect on the gene or gene product.